The following is an entry in ClinVar:

NM_001330260.2(SCN8A):c.4877G>A (p.Arg1626His)

Gene: SCN8A (sodium voltage-gated channel alpha subunit 8; plus strand). Cytogenetic location: 12q13.13.
Variant type: single nucleotide variant.
Coding change: c.4877G>A on transcript NM_001330260.2 (MANE Select); coding-DNA position 4877, G replaced by A.
Protein change: p.Arg1626His; replaces arginine 1626 with histidine.
Molecular consequence: missense variant.
Genome position (GRCh38, 1-based): chr12:51,806,363, G>A. VCF-style: chr12-51806363-G-A. GRCh37 (hg19) VCF-style: chr12-52200147-G-A.
Other names: c.4877G>A (NM_001330260.1); c.4754G>A, p.Arg1585His (NM_001177984.3, NM_001369788.1); c.4877G>A, p.Arg1626His (NM_014191.4); short protein forms R1626H, R1585H.
Identifiers: ClinVar variation 290005 (VCV000290005.13), dbSNP rs886044328, ClinGen allele CA10606625.

ClinVar aggregate classification (germline): Pathogenic/Likely pathogenic. Review status: criteria provided, multiple submitters, no conflicts (2 of 4 stars). 6 submissions from 6 submitters: Pathogenic (3); Likely pathogenic (1). 2 of the submissions do not count toward it. Last evaluated 2023-11-13.

Conditions:
Cognitive impairment with or without cerebellar ataxia (CIAT). Identifiers: MedGen C3280415, MONDO:0013680, OMIM 614306.
Seizures, benign familial infantile, 5 (BFIS5). Also called: CONVULSIONS, BENIGN FAMILIAL INFANTILE, 5. Identifiers: Orphanet 306, MedGen C4310728, MONDO:0014903, OMIM 617080.
Developmental and epileptic encephalopathy, 13 (DEE13). Also called: Developmental and Epileptic Encephalopathy (SCN8A-DEE); SCN8A-Related Epilepsy; Early infantile epileptic encephalopathy 13. Identifiers: Orphanet 442835, MedGen C3281191, MONDO:0013801, OMIM 614558.
Abnormal cerebral morphology. Also called: Abnormality of the cerebrum. Identifiers: MedGen C4021762, HP:0002060.
Early-infantile DEE. Also called: Early infantile epileptic encephalopathy; Ohtahara syndrome; Early infantile epileptic encephalopathy with suppression bursts. Identifiers: Orphanet 1934, MedGen C0393706, MONDO:0800491.

Submissions (6):

Labcorp Genetics (formerly Invitae), Labcorp
Classification: Pathogenic for Early-infantile DEE. Last evaluated: 2023-11-13. Review status: criteria provided, single submitter. Criteria: Invitae Variant Classification Sherloc (09022015). Collection method: clinical testing. Allele origin: germline.
Comment: This sequence change replaces arginine, which is basic and polar, with histidine, which is basic and polar, at codon 1626 of the SCN8A protein (p.Arg1626His). This variant is not present in population databases (gnomAD no frequency). This missense change has been observed in individual(s) with developmental and epileptic encephalopathy (PMID: 35701389). In at least one individual the variant was observed to be de novo. ClinVar contains an entry for this variant (Variation ID: 290005). Advanced modeling of protein sequence and biophysical properties (such as structural, functional, and spatial information, amino acid conservation, physicochemical variation, residue mobility, and thermodynamic stability) performed at Invitae indicates that this missense variant is expected to disrupt SCN8A protein function with a positive predictive value of 95%. For these reasons, this variant has been classified as Pathogenic.

Victorian Clinical Genetics Services, Murdoch Childrens Research Institute
Classification: Pathogenic for Developmental and epileptic encephalopathy, 13. Last evaluated: 2023-07-17. Review status: criteria provided, single submitter. Criteria: ACMG Guidelines, 2015. Collection method: clinical testing. Allele origin: germline. Inheritance: Autosomal dominant inheritance. Affected: yes.
Comment: Based on the classification scheme VCGS_Germline_v1.3.4, this variant is classified as Pathogenic. Following criteria are met: 0103 - Loss of function and gain of function are known mechanisms of disease in this gene, and are associated with cognitive impairment with or without cerebellar ataxia (MIM#614306), and developmental and epileptic encephalopathy 13 (MIM#614558), respectively. In addition, gain of function is speculated for benign familial infantile seizures, 5 (MIM#617080) (PMID: 31904124, OMIM). (I) 0107 - This gene is associated with autosomal dominant disease. (I) 0200 - Variant is predicted to result in a missense amino acid change from arginine to histidine. (I) 0251 - This variant is heterozygous. (I) 0301 - Variant is absent from gnomAD (both v2 and v3). (SP) 0501 - Missense variant consistently predicted to be damaging by multiple in silico tools or highly conserved with a major amino acid change. (SP) 0603 - Missense variant in a region that is highly intolerant to missense variation (high constraint region in DECIPHER). (SP) 0708 - Other missense variants comparable to the one identified in this case have conflicting previous evidence for pathogenicity. p.(Arg1626Cys) and p.(Arg1626Leu) have been classified as pathogenic/likely pathogenic and VUS, respectively (ClinVar). (I) 0801 - This variant has strong previous evidence of pathogenicity in unrelated individuals. It has been reported de novo in at least three individuals with intellectual disability and seizures, or developmental and epileptic encephalopathy (PMID: 35701389; ClinVar). (SP) 1007 - No published functional evidence has been identified for this variant. (I) Legend: (SP) - Supporting pathogenic, (I) - Information, (SB) - Supporting benign

Genetics Laboratory, UDIAT-Centre Diagnòstic, Hospital Universitari Parc Tauli
Classification: Pathogenic for Developmental and epileptic encephalopathy, 13. Last evaluated: 2022-10-04. Review status: criteria provided, single submitter. Criteria: Parc Tauli Hospital Assertion Criteria 2021. Collection method: clinical testing. Allele origin: de novo. Inheritance: Autosomal dominant inheritance. Affected: yes.
Comment: PS4_supporting;PM1;PM2_supporting;PM5;PM6;PP2;PP3;

Cytogénomique, Hospices Civils de Lyon
Classification: Likely pathogenic for Cognitive impairment with or without cerebellar ataxia; Developmental and epileptic encephalopathy, 13; Seizures, benign familial infantile, 5. Last evaluated: 2017-04-25. Review status: criteria provided, single submitter. Criteria: ACMG Guidelines, 2015. Collection method: clinical testing. Allele origin: de novo. Inheritance: Autosomal dominant inheritance. Affected: yes.

Eurofins Ntd Llc (ga)
Classification: Uncertain significance. Last evaluated: 2016-08-09. Review status: flagged submission. Criteria: EGL Classification Definitions 2015. Collection method: clinical testing. Allele origin: germline. Observed: 2 variant alleles, 2 heterozygotes. Not counted in ClinVar's aggregate classification.
ClinVar note: Reason: Older and outlier claim with insufficient supporting evidence

Diagnostic Laboratory, Strasbourg University Hospital
Classification: Uncertain significance for Abnormal cerebral morphology. Review status: flagged submission. Collection method: clinical testing. Allele origin: germline. Affected: yes. Observed: 1 variant allele, 1 heterozygote. Not counted in ClinVar's aggregate classification.
ClinVar note: Reason: Claim with insufficient supporting evidence

Literature cited by the submitters: PubMed 35701389 (cited by Labcorp Genetics (formerly Invitae), Labcorp and Victorian Clinical Genetics Services, Murdoch Childrens Research Institute); PubMed 31904124 (cited by Victorian Clinical Genetics Services, Murdoch Childrens Research Institute).